The following is an entry in ClinVar:

ClinVar aggregate classification (germline): Uncertain significance (1 of 4 stars; one submission).

gnomAD v4.1: 2 of 1,614,208 alleles (0.00012%); highest among the groups gnomAD compares: Non-Finnish European, 0.00017%; no homozygotes.

Submission:

Labcorp Genetics (formerly Invitae), Labcorp
Classification: Uncertain significance. Last evaluated: 2023-12-07. Review status: criteria provided, single submitter. Criteria: Invitae Variant Classification Sherloc (09022015). Collection method: clinical testing. Allele origin: germline.
Comment: This sequence change replaces isoleucine, which is neutral and non-polar, with methionine, which is neutral and non-polar, at codon 909 of the DLC1 protein (p.Ile909Met). This variant is not present in population databases (gnomAD no frequency). This variant has not been reported in the literature in individuals affected with DLC1-related conditions. ClinVar contains an entry for this variant (Variation ID: 2113961). An algorithm developed to predict the effect of missense changes on protein structure and function (PolyPhen-2) suggests that this variant is likely to be disruptive. In summary, the available evidence is currently insufficient to determine the role of this variant in disease. Therefore, it has been classified as a Variant of Uncertain Significance.

NM_182643.3(DLC1):c.2727C>G (p.Ile909Met)

Gene: DLC1 (DLC1 Rho GTPase activating protein; minus strand). Cytogenetic location: 8p22.
Variant type: single nucleotide variant.
Coding change: c.2727C>G on transcript NM_182643.3 (MANE Select); coding-DNA position 2727, C replaced by G.
Protein change: p.Ile909Met; replaces isoleucine 909 with methionine.
Molecular consequence: missense variant.
Genome position (GRCh38, 1-based): chr8:13,099,610, G>C on the plus strand (C>G on the coding strand, the complement: DLC1 is on the minus strand). VCF-style: chr8-13099610-G-C. GRCh37 (hg19) VCF-style: chr8-12957119-G-C.
Other names: c.1518C>G, p.Ile506Met (NM_001413129.1, NM_001316668.2); c.1509C>G, p.Ile503Met (NM_001413130.1); c.1167C>G, p.Ile389Met (NM_001413131.1, NM_001413137.1); c.1653C>G, p.Ile551Met (NM_001413132.1); c.1194C>G, p.Ile398Met (NM_001413133.1, NM_001413138.1, NM_001164271.2 and 6 more transcripts); c.1416C>G, p.Ile472Met (NM_001413135.1, NM_001413136.1, NM_001413139.1 and 1 more transcripts); c.2727C>G, p.Ile909Met (NM_001348081.2, NM_001413124.1); c.1551C>G, p.Ile517Met (NM_001413140.1); short protein forms I506M, I389M, I398M, I503M, I517M, I551M, I909M, I472M.
Identifiers: ClinVar variation 2113961 (VCV002113961.4), dbSNP rs2537064442, ClinGen allele CA370344490.